The following is an entry in ClinVar:

ClinVar aggregate classification (germline): Likely pathogenic (1 of 4 stars; one submission).

Conditions:
Polycystic kidney disease, adult type (PKD1). Also called: Polycystic Kidney Disease 1, Autosomal Dominant; Polycystic kidney disease 1; Polycystic kidney disease 1, severe; POLYCYSTIC KIDNEY DISEASE, ADULT, TYPE I; Polycystic Kidney, Autosomal Dominant; POLYCYSTIC KIDNEY DISEASE 1 WITH OR WITHOUT POLYCYSTIC LIVER DISEASE. Identifiers: MedGen C3149841, MONDO:0008263, OMIM 173900.

Submission:

Johns Hopkins Genomics, Johns Hopkins University
Classification: Likely pathogenic for Polycystic kidney disease, adult type. Last evaluated: 2022-12-23. Review status: criteria provided, single submitter. Criteria: ACMG Guidelines, 2015. Collection method: clinical testing. Allele origin: germline.
Comment: This PKD1 variant is absent in a large population dataset and has not been reported in ClinVar, nor the literature in association with ADPKD to our knowledge. This frameshift variant in exon 12 of 46 results in a premature termination codon (PTC) likely leading to nonsense-mediated decay and lack of protein production. We consider c.2865dupC (p.Val956fs) to be likely pathogenic.

Literature cited by the submitters: PubMed 20301424.

NM_001009944.3(PKD1):c.2865dup (p.Val956fs)

Gene: PKD1 (polycystin 1, transient receptor potential channel interacting; minus strand). Cytogenetic location: 16p13.3.
Variant type: Duplication.
Coding change: c.2865dup on transcript NM_001009944.3 (MANE Select); coding-DNA position 2865, one base duplicated (C; older notation c.2865dupC).
Protein change: p.Val956fs; shifts the reading frame from valine 956.
Molecular consequence: frameshift variant.
Genome position (GRCh38, 1-based): chr16:2,113,281, G duplicated on the plus strand (C on the coding strand, the reverse complement: PKD1 is on the minus strand); the first of 4 consecutive G bases (chr16:2,113,281-2,113,284); duplicating any one gives the same sequence. VCF-style (leftmost placement, unchanged base first): chr16-2113280-C-CG. GRCh37 (hg19) VCF-style: chr16-2163281-C-CG.
Other names: c.2865dup, p.Val956fs (NM_000296.4); c.2865dupC (NM_001009944.2); short protein forms V956fs.
Identifiers: ClinVar variation 2443051 (VCV002443051.1), dbSNP rs2544845327, ClinGen allele CA2580091002.